The following is an entry in ClinVar:

NM_001289080.2(CNTN6):c.3070A>C (p.Ile1024Leu)

Gene: CNTN6 (contactin 6; plus strand). Cytogenetic location: 3p26.3.
Variant type: single nucleotide variant.
Coding change: c.3070A>C on transcript NM_001289080.2 (MANE Select); coding-DNA position 3070, A replaced by C.
Protein change: p.Ile1024Leu; replaces isoleucine 1024 with leucine.
Molecular consequence: missense variant.
Genome position (GRCh38, 1-based): chr3:1,403,401, A>C. VCF-style: chr3-1403401-A-C. GRCh37 (hg19) VCF-style: chr3-1445085-A-C.
Other names: c.2854A>C, p.Ile952Leu (NM_001289081.2); c.3070A>C, p.Ile1024Leu (NM_001349350.2, NM_001349351.2, NM_001349352.2 and 4 more transcripts); c.2962A>C, p.Ile988Leu (NM_001349356.2); c.2758A>C, p.Ile920Leu (NM_001349357.2); c.2515A>C, p.Ile839Leu (NM_001349358.2); c.1948A>C, p.Ile650Leu (NM_001349359.2, NM_001349360.2, NM_001349361.2 and 1 more transcripts); short protein forms I1024L, I650L, I952L, I988L, I839L, I920L.
Identifiers: ClinVar variation 708652 (VCV000708652.6), dbSNP rs75745489, ClinGen allele CA2226828.

ClinVar aggregate classification (germline): Benign. Review status: criteria provided, multiple submitters, no conflicts (2 of 4 stars). 3 submissions from 3 submitters: Benign (2). 1 of the submissions does not count toward it. Last evaluated 2018-06-05.

Conditions:
CNTN6-related disorder. Also called: CNTN6-related condition.

Allele frequency attached by ClinVar (database versions not stated): 1000 Genomes Project 30x 0.00781; gnomAD 0.00809; TOPMed 0.00818; ESP Exome Variant Server 0.00861; 1000 Genomes Project 0.00739.
gnomAD v4.1: 2,164 of 1,607,154 alleles (0.13%); highest among the groups gnomAD compares: African/African-American, 2.6%; 25 homozygotes.

Submissions (3):

Labcorp Genetics (formerly Invitae), Labcorp
Classification: Benign. Last evaluated: 2018-06-05. Review status: criteria provided, single submitter. Criteria: Invitae Variant Classification Sherloc (09022015). Collection method: clinical testing. Allele origin: germline.

Breakthrough Genomics
Classification: Benign. Review status: criteria provided, single submitter. Criteria: ACMG Guidelines, 2015. Collection method: not provided. Allele origin: germline. Inheritance: Unknown mechanism. Affected: yes.

PreventionGenetics, part of Exact Sciences
Classification: Benign for CNTN6-related condition. Last evaluated: 2021-08-09. Review status: no assertion criteria provided. Collection method: clinical testing. Allele origin: germline. Not counted in ClinVar's aggregate classification.
Comment: This variant is classified as benign based on ACMG/AMP sequence variant interpretation guidelines (Richards et al. 2015 PMID: 25741868, with internal and published modifications).